The following is an entry in ClinVar:

ClinVar aggregate classification (germline): Likely benign. Review status: criteria provided, multiple submitters, no conflicts (2 of 4 stars). 2 submissions from 2 submitters: Likely benign (2). Last evaluated 2026-07-01.

Conditions:
Dilated cardiomyopathy 1G (CMD1G). Identifiers: Orphanet 154, MedGen C1858763, MONDO:0011400, OMIM 604145.
Autosomal recessive limb-girdle muscular dystrophy type 2J (LGMDR10). Also called: Limb-girdle muscular dystrophy, type 2J; MUSCULAR DYSTROPHY, LIMB-GIRDLE, AUTOSOMAL RECESSIVE 10. Identifiers: Orphanet 140922, MedGen C1837342, MONDO:0012127, OMIM 608807.

Allele frequency attached by ClinVar (database versions not stated): gnomAD exomes below 0.00001; ExAC 0.00001; gnomAD 0.00001.
gnomAD v4.1: 2 of 1,613,532 alleles (0.00012%); highest among the groups gnomAD compares: Middle Eastern, 0.016%; no homozygotes.

Submissions (2):

CeGaT Center for Human Genetics Tuebingen
Classification: Likely benign. Last evaluated: 2026-07-01. Review status: criteria provided, single submitter. Criteria: CeGaT Center For Human Genetics Tuebingen Variant Classification Criteria Version 2. Collection method: clinical testing. Allele origin: germline. Affected: yes. Observed: 1 variant allele.
Comment: TTN: BP4, BP7

Labcorp Genetics (formerly Invitae), Labcorp
Classification: Likely benign for Dilated cardiomyopathy 1G; Autosomal recessive limb-girdle muscular dystrophy type 2J. Last evaluated: 2024-08-13. Review status: criteria provided, single submitter. Criteria: Invitae Variant Classification Sherloc (09022015). Collection method: clinical testing. Allele origin: germline.

NM_001267550.2(TTN):c.24000C>T (p.Ala8000=)

Gene: TTN (titin; minus strand). Cytogenetic location: 2q31.2.
Variant type: single nucleotide variant.
Coding change: c.24000C>T on transcript NM_001267550.2 (MANE Select); coding-DNA position 24000, C replaced by T.
Protein change: p.Ala8000=; no amino-acid change (alanine 8000 retained).
Molecular consequence: synonymous variant. On other transcripts: intron variant (3).
Genome position (GRCh38, 1-based): chr2:178,719,390, G>A on the plus strand (C>T on the coding strand, the complement: TTN is on the minus strand). VCF-style: chr2-178719390-G-A. GRCh37 (hg19) VCF-style: chr2-179584117-G-A.
Other names: c.23049C>T, p.Ala7683= (NM_001256850.1); c.20268C>T, p.Ala6756= (NM_133378.4); c.13282+18692C>T (NM_003319.4); c.13858+18692C>T (NM_133437.4); c.13657+18692C>T (NM_133432.3).
Identifiers: ClinVar variation 1121136 (VCV001121136.10), dbSNP rs764876147, ClinGen allele CA2000517.